The following is an entry in ClinVar:

NM_004830.4(MED23):c.1889T>C (p.Leu630Ser)

Gene: MED23 (mediator complex subunit 23; minus strand). Cytogenetic location: 6q23.2.
Variant type: single nucleotide variant.
Coding change: c.1889T>C on transcript NM_004830.4 (MANE Select); coding-DNA position 1889, T replaced by C.
Protein change: p.Leu630Ser; replaces leucine 630 with serine.
Molecular consequence: missense variant.
Genome position (GRCh38, 1-based): chr6:131,603,072, A>G on the plus strand (T>C on the coding strand, the complement: MED23 is on the minus strand). VCF-style: chr6-131603072-A-G. GRCh37 (hg19) VCF-style: chr6-131924212-A-G.
Other names: c.1889T>C, p.Leu630Ser (NM_001270521.2, NM_001270522.2, NM_001376519.1 and 3 more transcripts); c.1907T>C, p.Leu636Ser (NM_001376517.1, NM_015979.4); c.1835T>C, p.Leu612Ser (NM_001376518.1); c.1748T>C, p.Leu583Ser (NM_001376520.1); c.1634T>C, p.Leu545Ser (NM_001376523.1); short protein forms L583S, L545S, L612S, L630S, L636S.
Identifiers: ClinVar variation 5006968 (VCV005006968.2).

ClinVar aggregate classification (germline): Uncertain significance (1 of 4 stars; one submission).

Conditions:
Intellectual developmental disorder, autosomal recessive 18, with or without epilepsy. Also called: Intellectual disability, autosomal recessive 18. Identifiers: Orphanet 88616, MedGen C3280265, MONDO:0013651, OMIM 614249.

gnomAD v4.1: 1 of 1,613,878 alleles (0.000062%); highest among the groups gnomAD compares: Non-Finnish European, 0.000085%; no homozygotes.

Submission:

Juno Genomics, Hangzhou Juno Genomics, Inc
Classification: Uncertain significance for Intellectual developmental disorder, autosomal recessive 18, with or without epilepsy. Review status: criteria provided, single submitter. Criteria: ACMG Guidelines, 2015. Collection method: clinical testing. Allele origin: germline.
Comment: Absent from controls (or at extremely low frequency if recessive) in Genome Aggregation Database.;Missense variant in a gene that has a low rate of benign missense variation.;Multiple lines of computational evidence support a deleterious effect on the gene or gene product.